The following is an entry in ClinVar:

ClinVar aggregate classification (germline): Conflicting classifications of pathogenicity. Review status: criteria provided, conflicting classifications (1 of 4 stars). 2 submissions from 2 submitters: Likely pathogenic (1); Uncertain significance (1). Last evaluated 2025-09-24.

Conditions:
Autoimmune lymphoproliferative syndrome type 2A (ALPS2A). Also called: Autoimmune lymphoproliferative syndrome type 2; CASP10-Related Autoimmune Lymphoproliferative Syndrome; AUTOIMMUNE LYMPHOPROLIFERATIVE SYNDROME, TYPE IIA. Identifiers: Orphanet 3261, MedGen C1858968, MONDO:0011383, OMIM 603909.

Submissions (2):

Genesolutions, Medical Genetics Institutes, Ho Chi Minh City, Vietnam
Classification: Likely pathogenic for Autoimmune lymphoproliferative syndrome type 2A. Last evaluated: 2025-09-24. Review status: criteria provided, single submitter. Criteria: ACMG Guidelines, 2015. Collection method: clinical testing. Allele origin: germline. Affected: yes.

Labcorp Genetics (formerly Invitae), Labcorp
Classification: Uncertain significance for Autoimmune lymphoproliferative syndrome type 2A. Last evaluated: 2022-06-18. Review status: criteria provided, single submitter. Criteria: Invitae Variant Classification Sherloc (09022015). Collection method: clinical testing. Allele origin: germline.
Comment: This sequence change creates a premature translational stop signal (p.Asn130Leufs*16) in the CASP10 gene. It is expected to result in an absent or disrupted protein product. However, the current clinical and genetic evidence is not sufficient to establish whether loss-of-function variants in CASP10 cause disease. This variant is not present in population databases (gnomAD no frequency). This variant has not been reported in the literature in individuals affected with CASP10-related conditions. In summary, the available evidence is currently insufficient to determine the role of this variant in disease. Therefore, it has been classified as a Variant of Uncertain Significance.

NM_032977.4(CASP10):c.387_388del (p.Asn130fs)

Gene: CASP10 (caspase 10; plus strand). Cytogenetic location: 2q33.1.
Variant type: Microsatellite.
Coding change: c.387_388del on transcript NM_032977.4 (MANE Select); coding-DNA positions 387 to 388, 2 bases deleted (GA; older notation c.387_388delGA).
Protein change: p.Asn130fs; shifts the reading frame from asparagine 130.
Molecular consequence: frameshift variant.
Genome position (GRCh38, 1-based): chr2:201,187,745-201,187,746, GA deleted; deleting any 2 consecutive bases within chr2:201,187,742-201,187,746 gives the same sequence; the c. name uses the placement nearest the transcript's 3' end. VCF-style (leftmost placement, unchanged base first): chr2-201187741-CAG-C. GRCh37 (hg19) VCF-style: chr2-202052464-CAG-C.
Other names: c.387_388del, p.Asn130fs (NM_001206524.2, NM_001206542.2, NM_001230.5 and 3 more transcripts); short protein forms N130fs.
Identifiers: ClinVar variation 2418856 (VCV002418856.7), dbSNP rs1412662677, ClinGen allele CA763311673.